The following is an entry in ClinVar:

ClinVar aggregate classification (germline): Uncertain significance. Review status: criteria provided, multiple submitters, no conflicts (2 of 4 stars). 2 submissions from 2 submitters: Uncertain significance (2). Last evaluated 2024-12-18.

Conditions:
Charcot-Marie-Tooth disease axonal type 2C (HMSN2C). Also called: CHARCOT-MARIE-TOOTH DISEASE, AXONAL, AUTOSOMAL DOMINANT, TYPE 2C; Charcot-Marie-Tooth Neuropathy Type 2C; Charcot-Marie-Tooth Disease Type 2, TRPV4-Related (CMT2C). Identifiers: Orphanet 99937, MedGen C1853710, MONDO:0011633, OMIM 606071.

Submissions (2):

GeneDx
Classification: Uncertain significance. Last evaluated: 2024-12-18. Review status: criteria provided, single submitter. Criteria: GeneDx Variant Classification Process June 2021. Collection method: clinical testing. Allele origin: germline. Affected: yes.
Comment: Not observed at significant frequency in large population cohorts (gnomAD); In silico analysis indicates that this missense variant does not alter protein structure/function; Has not been previously published as pathogenic or benign to our knowledge

Labcorp Genetics (formerly Invitae), Labcorp
Classification: Uncertain significance for Charcot-Marie-Tooth disease axonal type 2C. Last evaluated: 2022-07-26. Review status: criteria provided, single submitter. Criteria: Invitae Variant Classification Sherloc (09022015). Collection method: clinical testing. Allele origin: germline.
Comment: In summary, the available evidence is currently insufficient to determine the role of this variant in disease. Therefore, it has been classified as a Variant of Uncertain Significance. Algorithms developed to predict the effect of missense changes on protein structure and function are either unavailable or do not agree on the potential impact of this missense change (SIFT: "Tolerated"; PolyPhen-2: "Possibly Damaging"; Align-GVGD: "Class C0"). ClinVar contains an entry for this variant (Variation ID: 1380832). This variant has not been reported in the literature in individuals affected with TRPV4-related conditions. This variant is not present in population databases (gnomAD no frequency). This sequence change replaces tryptophan, which is neutral and slightly polar, with cysteine, which is neutral and slightly polar, at codon 864 of the TRPV4 protein (p.Trp864Cys).

NM_021625.5(TRPV4):c.2592G>T (p.Trp864Cys)

Gene: TRPV4 (transient receptor potential cation channel subfamily V member 4; minus strand). Cytogenetic location: 12q24.11.
Variant type: single nucleotide variant.
Coding change: c.2592G>T on transcript NM_021625.5 (MANE Select); coding-DNA position 2592, G replaced by T.
Protein change: p.Trp864Cys; replaces tryptophan 864 with cysteine.
Molecular consequence: missense variant.
Genome position (GRCh38, 1-based): chr12:109,783,645, C>A on the plus strand (G>T on the coding strand, the complement: TRPV4 is on the minus strand). VCF-style: chr12-109783645-C-A. GRCh37 (hg19) VCF-style: chr12-110221450-C-A.
Other names: c.2451G>T, p.Trp817Cys (NM_001177428.2); c.2490G>T, p.Trp830Cys (NM_001177431.2); c.2271G>T, p.Trp757Cys (NM_001177433.2); c.2412G>T, p.Trp804Cys (NM_147204.3); short protein forms W804C, W864C, W757C, W817C, W830C.
Identifiers: ClinVar variation 1380832 (VCV001380832.7), dbSNP rs966904634, ClinGen allele CA386648266.